The following is an entry in ClinVar:

ClinVar aggregate classification (germline): Benign (1 of 4 stars; one submission).

Conditions:
Familial adenomatous polyposis 1 (FAP1). Also called: POLYPOSIS, ADENOMATOUS INTESTINAL; FAMILIAL ADENOMATOUS POLYPOSIS 1, ATTENUATED. Identifiers: MedGen C2713442, MONDO:0021056, OMIM 175100. Disease mechanism: loss of function.

Submission:

Myriad Genetics, Inc.
Classification: Benign for Familial adenomatous polyposis 1. Last evaluated: 2024-02-22. Review status: criteria provided, single submitter. Criteria: Myriad Autosomal Dominant, Autosomal Recessive and X-Linked Classification Criteria (2023). Collection method: clinical testing. Allele origin: unknown.
Comment: This variant is considered benign. This variant is a silent/synonymous amino acid change and it is not expected to impact splicing.

NM_000038.6(APC):c.186T>C (p.Ser62=)

Gene: APC (APC regulator of Wnt signaling pathway; plus strand). Cytogenetic location: 5q22.2.
Variant type: single nucleotide variant.
Coding change: c.186T>C on transcript NM_000038.6 (MANE Select); coding-DNA position 186, T replaced by C.
Protein change: p.Ser62=; no amino-acid change (serine 62 retained).
Molecular consequence: synonymous variant. On other transcripts: 5 prime UTR variant (4), non-coding transcript variant (2).
Genome position (GRCh38, 1-based): chr5:112,766,376, T>C. VCF-style: chr5-112766376-T-C. GRCh37 (hg19) VCF-style: chr5-112102073-T-C.
Other names: c.186T>C, p.Ser62= (NM_001127510.3, NM_001354895.2, NM_001354896.2 and 16 more transcripts); c.216T>C, p.Ser72= (NM_001127511.3, NM_001354897.2, NM_001354902.2 and 1 more transcripts); c.111T>C, p.Ser37= (NM_001354898.2, NM_001354904.2, NM_001407451.1); c.9T>C, p.Ser3= (NM_001354900.2, NM_001354901.2, NM_001354905.2 and 1 more transcripts); c.-850T>C (NM_001354906.2, NM_001407470.1, NM_001407471.1 and 1 more transcripts).
Identifiers: ClinVar variation 3148035 (VCV003148035.1), dbSNP rs2532273362, ClinGen allele CA445753004.